The following is an entry in ClinVar:

ClinVar aggregate classification (germline): Uncertain significance (1 of 4 stars; one submission).

Conditions:
Peutz-Jeghers syndrome (PJS). Also called: POLYPOSIS, HAMARTOMATOUS INTESTINAL; POLYPS-AND-SPOTS SYNDROME; Peutz-Jeghers polyposis; Periorificial lentiginosis syndrome. Identifiers: Orphanet 2869, MedGen C0031269, MeSH D010580, MONDO:0008280, OMIM 175200.

Submission:

Genetics Laboratory, Great Ormond Street Hospital NHS Foundation Trust, North Thames Genomic Laboratory Hub
Classification: Uncertain significance for Peutz Jeghers Syndrome. Last evaluated: 2026-03-30. Review status: criteria provided, single submitter. Criteria: CanVIG Consensus Spec V3.0. Collection method: clinical testing. Allele origin: germline. Affected: yes.
Comment: PM2_moderate, PP3_supporting, PS1_supporting, PP4_supporting

NM_000455.5(STK11):c.734+3A>C

Gene: STK11 (serine/threonine kinase 11; plus strand). Cytogenetic location: 19p13.3.
Variant type: single nucleotide variant.
Coding change: c.734+3A>C on transcript NM_000455.5 (MANE Select); 3 bases into the intron after coding-DNA position 734, A replaced by C.
Molecular consequence: intron variant.
Genome position (GRCh38, 1-based): chr19:1,220,720, A>C. VCF-style: chr19-1220720-A-C. GRCh37 (hg19) VCF-style: chr19-1220719-A-C.
Other names: c.734+3A>C (NM_001407255.1).
Identifiers: ClinVar variation 4851618 (VCV004851618.1).